The following is an entry in ClinVar:

ClinVar aggregate classification (germline): Likely benign (0 of 4 stars; one submission).

Conditions:
ANG-related disorder. Also called: ANG-related condition.

gnomAD v4.1: 3 of 1,611,760 alleles (0.00019%); highest among the groups gnomAD compares: Non-Finnish European, 0.00025%; no homozygotes.

Submission:

PreventionGenetics, part of Exact Sciences
Classification: Likely benign for ANG-related condition. Last evaluated: 2022-06-27. Review status: no assertion criteria provided. Collection method: clinical testing. Allele origin: germline.
Comment: This variant is classified as likely benign based on ACMG/AMP sequence variant interpretation guidelines (Richards et al. 2015 PMID: 25741868, with internal and published modifications).

NM_001097577.3(ANG):c.-10G>T

Genes: ANG (angiogenin; plus strand), EGILA (EGFR interacting lncRNA; minus strand), RNASE4 (ribonuclease A family member 4; plus strand). Cytogenetic location: 14q11.2.
Variant type: single nucleotide variant.
Coding change: c.-10G>T on transcript NM_001097577.3 (MANE Select); 10 bases upstream of the start codon, G replaced by T.
Molecular consequence: 5 prime UTR variant. On other transcripts: non-coding transcript variant (1), intron variant (3).
Genome position (GRCh38, 1-based): chr14:20,693,555, G>T. VCF-style: chr14-20693555-G-T. GRCh37 (hg19) VCF-style: chr14-21161714-G-T.
Other names: c.-10G>T (NM_001145.4, NM_001385271.1, NM_001385272.1 and 2 more transcripts); c.-113G>T (NM_001282192.2); c.-17-5800G>T (NM_002937.5, NM_001282193.2); c.-18+4681G>T (NM_194431.3).
Identifiers: ClinVar variation 3358156 (VCV003358156.1).